The following is an entry in ClinVar:

NM_080732.4(EGLN2):c.442G>A (p.Gly148Ser)

Genes: EGLN2 (egl-9 family hypoxia inducible factor 2; plus strand), RAB4B-EGLN2 (RAB4B-EGLN2 readthrough (NMD candidate); plus strand). Cytogenetic location: 19q13.2.
Variant type: single nucleotide variant.
Coding change: c.442G>A on transcript NM_080732.4 (MANE Select); coding-DNA position 442, G replaced by A.
Protein change: p.Gly148Ser; replaces glycine 148 with serine.
Molecular consequence: missense variant. On other transcripts: non-coding transcript variant (1).
Genome position (GRCh38, 1-based): chr19:40,801,014, G>A. VCF-style: chr19-40801014-G-A. GRCh37 (hg19) VCF-style: chr19-41306919-G-A.
Other names: c.442G>A, p.Gly148Ser (NM_053046.4); short protein forms G148S.
Identifiers: ClinVar variation 1740543 (VCV001740543.2), dbSNP rs2083252726, ClinGen allele CA405955262.

ClinVar aggregate classification (germline): Uncertain significance (1 of 4 stars; one submission).

Submission:

Ambry Genetics
Classification: Uncertain significance. Last evaluated: 2021-08-24. Review status: criteria provided, single submitter. Criteria: Ambry Variant Classification Scheme 2023. Collection method: clinical testing. Allele origin: germline.
Comment: The p.G148S variant (also known as c.442G>A), located in coding exon 1 of the EGLN2 gene, results from a G to A substitution at nucleotide position 442. The glycine at codon 148 is replaced by serine, an amino acid with similar properties. This amino acid position is conserved. In addition, this alteration is predicted to be tolerated by in silico analysis. Since supporting evidence is limited at this time, the clinical significance of this alteration remains unclear.